The following is an entry in ClinVar:

ClinVar aggregate classification (germline): Uncertain significance (1 of 4 stars; one submission).

gnomAD v4.1: 1 of 1,611,906 alleles (0.000062%); highest among the groups gnomAD compares: Non-Finnish European, 0.000085%; no homozygotes.

Submission:

Labcorp Genetics (formerly Invitae), Labcorp
Classification: Uncertain significance. Last evaluated: 2025-06-22. Review status: criteria provided, single submitter. Criteria: Invitae Variant Classification Sherloc (09022015). Collection method: clinical testing. Allele origin: germline.
Comment: This sequence change replaces alanine, which is neutral and non-polar, with valine, which is neutral and non-polar, at codon 11 of the RBP4 protein (p.Ala11Val). The frequency data for this variant in the population databases is considered unreliable, as metrics indicate poor data quality at this position in the gnomAD database. This variant has not been reported in the literature in individuals affected with RBP4-related conditions. An algorithm developed to predict the effect of missense changes on protein structure and function (PolyPhen-2) suggests that this variant is likely to be disruptive. In summary, the available evidence is currently insufficient to determine the role of this variant in disease. Therefore, it has been classified as a Variant of Uncertain Significance.

NM_006744.4(RBP4):c.32C>T (p.Ala11Val)

Gene: RBP4 (retinol binding protein 4; minus strand). Cytogenetic location: 10q23.33.
Variant type: single nucleotide variant.
Coding change: c.32C>T on transcript NM_006744.4 (MANE Select); coding-DNA position 32, C replaced by T.
Protein change: p.Ala11Val; replaces alanine 11 with valine.
Molecular consequence: missense variant. On other transcripts: intron variant (1).
Genome position (GRCh38, 1-based): chr10:93,600,997, G>A on the plus strand (C>T on the coding strand, the complement: RBP4 is on the minus strand). VCF-style: chr10-93600997-G-A. GRCh37 (hg19) VCF-style: chr10-95360754-G-A.
Other names: c.32C>T, p.Ala11Val (NM_001323517.1); c.52-26C>T (NM_001323518.2); short protein forms A11V.
Identifiers: ClinVar variation 4712083 (VCV004712083.1).
Genomic context (GRCh38, chr10:93,600,997, plus strand): 5'-TCCTTGACTCGGAAGCTGCTCACTCGGCAGTCGCGCTCCGCGCGGCCGCTGCCCAGCGCC[G>A]CCAACAGCAAGAGCGCCCACACCCACTTCATCTTGCCCAGGAATCCGCCCTGCGGGAGAC-3'
Protein context (NP_006735.2, residues 1-21): MKWVWALLLL[Ala11Val]ALGSGRAERD